The following is an entry in ClinVar:

NM_001267550.2(TTN):c.92526G>A (p.Trp30842Ter)

Genes: TTN (titin; minus strand), TTN-AS1 (TTN antisense RNA 1; plus strand). Cytogenetic location: 2q31.2.
Variant type: single nucleotide variant.
Coding change: c.92526G>A on transcript NM_001267550.2 (MANE Select); coding-DNA position 92526, G replaced by A.
Protein change: p.Trp30842Ter; replaces tryptophan 30842 with a stop codon.
Molecular consequence: nonsense.
Genome position (GRCh38, 1-based): chr2:178,549,100, C>T on the plus strand (G>A on the coding strand, the complement: TTN is on the minus strand). VCF-style: chr2-178549100-C-T. GRCh37 (hg19) VCF-style: chr2-179413827-C-T.
Other names: c.92526G>A (NM_001267550.1); c.87603G>A, p.Trp29201Ter (NM_001256850.1); c.65331G>A, p.Trp21777Ter (NM_003319.4); c.84822G>A, p.Trp28274Ter (NM_133378.4); c.65706G>A, p.Trp21902Ter (NM_133432.3); c.65907G>A, p.Trp21969Ter (NM_133437.4); short protein forms W21777*, W21902*, W30842*, W28274*, W29201*, W21969*.
Identifiers: ClinVar variation 1513764 (VCV001513764.16), dbSNP rs2154147893, ClinGen allele CA349492946.
Genomic context (GRCh38, chr2:178,549,100, plus strand): 5'-CTTACACATTTCAATAATATACCCAATTATTTCCATGCCACCATCAAACACTGGTTTGGA[C>T]CATTCTAAGCTCACAGTTGTCTTTGATGTGTCTGTTACTTTGACCACTGTGGGAGGACCT-3'

ClinVar aggregate classification (germline): Pathogenic/Likely pathogenic. Review status: criteria provided, multiple submitters, no conflicts (2 of 4 stars). 3 submissions from 3 submitters: Pathogenic (1); Likely pathogenic (2). Last evaluated 2025-04-01.

Conditions:
Dilated cardiomyopathy 1G (CMD1G). Identifiers: Orphanet 154, MedGen C1858763, MONDO:0011400, OMIM 604145.
Autosomal recessive limb-girdle muscular dystrophy type 2J (LGMDR10). Also called: MUSCULAR DYSTROPHY, LIMB-GIRDLE, AUTOSOMAL RECESSIVE 10; Limb-girdle muscular dystrophy, type 2J. Identifiers: Orphanet 140922, MedGen C1837342, MONDO:0012127, OMIM 608807.

gnomAD v4.1: 1 of 1,613,868 alleles (0.000062%); highest among the groups gnomAD compares: Non-Finnish European, 0.000085%; no homozygotes.

Submissions (3):

CeGaT Center for Human Genetics Tuebingen
Classification: Likely pathogenic. Last evaluated: 2025-04-01. Review status: criteria provided, single submitter. Criteria: CeGaT Center For Human Genetics Tuebingen Variant Classification Criteria Version 2. Collection method: clinical testing. Allele origin: germline. Affected: yes. Observed: 1 variant allele.
Comment: TTN: PVS1:Strong, PM2

GeneDx
Classification: Pathogenic. Last evaluated: 2024-03-29. Review status: criteria provided, single submitter. Criteria: GeneDx Variant Classification Process June 2021. Collection method: clinical testing. Allele origin: germline. Affected: yes.
Comment: Nonsense variant predicted to result in protein truncation or nonsense mediated decay in a gene for which loss of function is a known mechanism of disease; Not observed at significant frequency in large population cohorts (gnomAD); Has not been previously published as pathogenic or benign to our knowledge; Located in the A-band region of TTN in which the majority of loss of function variants have been associated with autosomal dominant titinopathies (PMID: 22335739); This variant is associated with the following publications: (PMID: 22335739)

Labcorp Genetics (formerly Invitae), Labcorp
Classification: Likely pathogenic for Dilated cardiomyopathy 1G; Autosomal recessive limb-girdle muscular dystrophy type 2J. Last evaluated: 2022-03-18. Review status: criteria provided, single submitter. Criteria: Invitae Variant Classification Sherloc (09022015). Collection method: clinical testing. Allele origin: germline.
Comment: In summary, the currently available evidence indicates that the variant is pathogenic, but additional data are needed to prove that conclusively. Therefore, this variant has been classified as Likely Pathogenic. This sequence change creates a premature translational stop signal (p.Trp30842*) in the TTN gene. While this is not anticipated to result in nonsense mediated decay, it is expected to create a truncated TTN protein. This variant is not present in population databases (gnomAD no frequency). This variant has not been reported in the literature in individuals affected with TTN-related conditions. This variant is located in the A band of TTN (PMID: 25589632). Truncating variants in this region are significantly overrepresented in patients affected with dilated cardiomyopathy (PMID: 25589632). Truncating variants in this region have also been reported in individuals affected with autosomal recessive centronuclear myopathy (PMID: 23975875).

Literature cited by the submitters: PubMed 25589632 (cited by Labcorp Genetics (formerly Invitae), Labcorp); PubMed 23975875 (cited by Labcorp Genetics (formerly Invitae), Labcorp).